The following is an entry in ClinVar:

NM_001267550.2(TTN):c.6647A>C (p.Glu2216Ala)

Gene: TTN (titin; minus strand). Cytogenetic location: 2q31.2.
Variant type: single nucleotide variant.
Coding change: c.6647A>C on transcript NM_001267550.2 (MANE Select); coding-DNA position 6647, A replaced by C.
Protein change: p.Glu2216Ala; replaces glutamic acid 2216 with alanine.
Molecular consequence: missense variant.
Genome position (GRCh38, 1-based): chr2:178,775,064, T>G on the plus strand (A>C on the coding strand, the complement: TTN is on the minus strand). VCF-style: chr2-178775064-T-G. GRCh37 (hg19) VCF-style: chr2-179639791-T-G.
Other names: c.6647A>C, p.Glu2216Ala (NM_001256850.1, NM_133378.4, NM_133379.5); c.6509A>C, p.Glu2170Ala (NM_003319.4, NM_133432.3, NM_133437.4); short protein forms E2170A, E2216A.
Identifiers: ClinVar variation 2501449 (VCV002501449.1), dbSNP rs2532786331, ClinGen allele CA349682353.

ClinVar aggregate classification (germline): Uncertain significance (1 of 4 stars; one submission).

Submission:

GeneDx
Classification: Uncertain significance. Last evaluated: 2022-11-04. Review status: criteria provided, single submitter. Criteria: GeneDx Variant Classification Process June 2021. Collection method: clinical testing. Allele origin: germline. Affected: yes.
Comment: Not observed at significant frequency in large population cohorts (gnomAD); Missense variant in a gene in which most reported pathogenic variants are truncating/loss of function; Has not been previously published as pathogenic or benign to our knowledge